The following is an entry in ClinVar:

ClinVar aggregate classification (germline): Uncertain significance (1 of 4 stars; one submission).

gnomAD v4.1: 12 of 1,610,960 alleles (0.00074%); highest among the groups gnomAD compares: Non-Finnish European, 0.00051%; no homozygotes.

Submission:

Labcorp Genetics (formerly Invitae), Labcorp
Classification: Uncertain significance. Last evaluated: 2025-01-31. Review status: criteria provided, single submitter. Criteria: Invitae Variant Classification Sherloc (09022015). Collection method: clinical testing. Allele origin: germline.
Comment: This sequence change replaces valine, which is neutral and non-polar, with methionine, which is neutral and non-polar, at codon 81 of the IMPAD1 protein (p.Val81Met). This variant is present in population databases (rs748449103, gnomAD 0.004%). This variant has not been reported in the literature in individuals affected with IMPAD1-related conditions. An algorithm developed to predict the effect of missense changes on protein structure and function (PolyPhen-2) suggests that this variant is likely to be disruptive. In summary, the available evidence is currently insufficient to determine the role of this variant in disease. Therefore, it has been classified as a Variant of Uncertain Significance.

NM_017813.5(BPNT2):c.241G>A (p.Val81Met)

Gene: BPNT2 (3'(2'), 5'-bisphosphate nucleotidase 2; minus strand). Cytogenetic location: 8q12.1.
Variant type: single nucleotide variant.
Coding change: c.241G>A on transcript NM_017813.5 (MANE Select); coding-DNA position 241, G replaced by A.
Protein change: p.Val81Met; replaces valine 81 with methionine.
Molecular consequence: missense variant.
Genome position (GRCh38, 1-based): chr8:56,993,345, C>T on the plus strand (G>A on the coding strand, the complement: BPNT2 is on the minus strand). VCF-style: chr8-56993345-C-T. GRCh37 (hg19) VCF-style: chr8-57905904-C-T.
Other names: short protein forms V81M.
Identifiers: ClinVar variation 4693576 (VCV004693576.1).
Genomic context (GRCh38, chr8:56,993,345, plus strand): 5'-CCTCGCGCGTCTTCCCCTTGGACTTCTCGTGGAGGACGTTGCTCTCGCGGACGCGCCTCA[C>T]CTCGTCGCCGCCGCGGACTGCGGCCAGCACTGACACAGCCAGCATCTCGCGCAAGTCCAC-3'
Protein context (NP_060283.3, residues 71-91): VLAAVRGGDE[Val81Met]RRVRESNVLH